The following is an entry in ClinVar:

ClinVar aggregate classification (germline): Uncertain significance. Review status: criteria provided, single submitter (1 of 4 stars). 2 submissions from 2 submitters: Uncertain significance (1). 1 of the submissions does not count toward it. Last evaluated 2024-03-08.

Conditions:
TTC28-related disorder. Also called: TTC28-related condition.

Allele frequency attached by ClinVar (database versions not stated): ESP Exome Variant Server 0.00022; TOPMed 0.00029; gnomAD 0.00040; ExAC 0.00051; gnomAD exomes 0.00051; 1000 Genomes Project 30x 0.00109; 1000 Genomes Project 0.00120.
gnomAD v4.1: 786 of 1,551,350 alleles (0.051%); highest among the groups gnomAD compares: South Asian, 0.19%; 2 homozygotes.

Submissions (2):

Ambry Genetics
Classification: Uncertain significance. Last evaluated: 2024-03-08. Review status: criteria provided, single submitter. Criteria: Ambry Variant Classification Scheme 2023. Collection method: clinical testing. Allele origin: germline.

PreventionGenetics, part of Exact Sciences
Classification: Likely benign for TTC28-related condition. Last evaluated: 2022-10-03. Review status: no assertion criteria provided. Collection method: clinical testing. Allele origin: germline. Not counted in ClinVar's aggregate classification.
Comment: This variant is classified as likely benign based on ACMG/AMP sequence variant interpretation guidelines (Richards et al. 2015 PMID: 25741868, with internal and published modifications).

NM_001145418.2(TTC28):c.5552G>A (p.Arg1851Gln)

Genes: TTC28 (tetratricopeptide repeat domain 28; minus strand), TTC28-AS1 (TTC28 antisense RNA 1; plus strand). Cytogenetic location: 22q12.1.
Variant type: single nucleotide variant.
Coding change: c.5552G>A on transcript NM_001145418.2 (MANE Select); coding-DNA position 5552, G replaced by A.
Protein change: p.Arg1851Gln; replaces arginine 1851 with glutamine.
Molecular consequence: missense variant.
Genome position (GRCh38, 1-based): chr22:27,992,588, C>T on the plus strand (G>A on the coding strand, the complement: TTC28 is on the minus strand). VCF-style: chr22-27992588-C-T. GRCh37 (hg19) VCF-style: chr22-28388576-C-T.
Other names: c.5552G>A, p.Arg1851Gln (NM_001393403.1); c.5198G>A, p.Arg1733Gln (NM_001393404.1, NM_001393405.1); short protein forms R1733Q, R1851Q.
Identifiers: ClinVar variation 3050362 (VCV003050362.3), dbSNP rs41281595, ClinGen allele CA10167122.